The following is an entry in ClinVar:

NM_182972.3(IRF2BP2):c.1587C>G (p.Phe529Leu)

Gene: IRF2BP2 (interferon regulatory factor 2 binding protein 2; minus strand). Cytogenetic location: 1q42.3.
Variant type: single nucleotide variant.
Coding change: c.1587C>G on transcript NM_182972.3 (MANE Select); coding-DNA position 1587, C replaced by G.
Protein change: p.Phe529Leu; replaces phenylalanine 529 with leucine.
Molecular consequence: missense variant.
Genome position (GRCh38, 1-based): chr1:234,607,314, G>C on the plus strand (C>G on the coding strand, the complement: IRF2BP2 is on the minus strand). VCF-style: chr1-234607314-G-C. GRCh37 (hg19) VCF-style: chr1-234743060-G-C.
Other names: c.1539C>G, p.Phe513Leu (NM_001077397.1); short protein forms F529L, F513L.
Identifiers: ClinVar variation 2853328 (VCV002853328.3), dbSNP rs1288000907, ClinGen allele CA345305176.
Genomic context (GRCh38, chr1:234,607,314, plus strand): 5'-ACAATAGACCTCTCCACTAGCTCCCTGCTGTTTGATGCTTTGTCTGGAGCAAGGGAAGCA[G>C]AACTTGTGCGAAGGGACGGACGGGCACTGCACAAAATGGGTGTCCTCCAGCCGCTCGTGG-3'
Protein context (NP_892017.2, residues 519-539): VQCPSVPSHK[Phe529Leu]CFPCSRQSIK

ClinVar aggregate classification (germline): Uncertain significance (1 of 4 stars; one submission).

Submission:

Labcorp Genetics (formerly Invitae), Labcorp
Classification: Uncertain significance. Last evaluated: 2023-04-07. Review status: criteria provided, single submitter. Criteria: Invitae Variant Classification Sherloc (09022015). Collection method: clinical testing. Allele origin: germline.
Comment: This sequence change replaces phenylalanine, which is neutral and non-polar, with leucine, which is neutral and non-polar, at codon 529 of the IRF2BP2 protein (p.Phe529Leu). This variant is not present in population databases (gnomAD no frequency). This variant has not been reported in the literature in individuals affected with IRF2BP2-related conditions. An algorithm developed to predict the effect of missense changes on protein structure and function (PolyPhen-2) suggests that this variant is likely to be disruptive. In summary, the available evidence is currently insufficient to determine the role of this variant in disease. Therefore, it has been classified as a Variant of Uncertain Significance.